The following is an entry in ClinVar:

ClinVar aggregate classification (germline): Uncertain significance (1 of 4 stars; one submission).

Conditions:
Propionic acidemia (PROP). Also called: GLYCINEMIA, KETOTIC; HYPERGLYCINEMIA WITH KETOACIDOSIS AND LEUKOPENIA; KETOTIC HYPERGLYCINEMIA. Identifiers: Orphanet 35, MedGen C0268579, MONDO:0011628, OMIM 606054, HP:0003571.

Submission:

3billion
Classification: Uncertain significance for Propionic acidemia. Last evaluated: 2023-06-10. Review status: criteria provided, single submitter. Criteria: ACMG Guidelines, 2015. Collection method: clinical testing. Allele origin: germline. Affected: yes.
Comment: The variant is not observed in the gnomAD v2.1.1 dataset. Predicted Consequence/Location: Missense variant In silico tool predictions suggest damaging effect of the variant on gene or gene product (REVEL: 0.99; 3Cnet: 0.62). Therefore, this variant is classified as VUS according to the recommendation of ACMG/AMP guideline.

NM_000532.5(PCCB):c.1349A>G (p.Asp450Gly)

Gene: PCCB (propionyl-CoA carboxylase subunit beta; plus strand). Cytogenetic location: 3q22.3.
Variant type: single nucleotide variant.
Coding change: c.1349A>G on transcript NM_000532.5 (MANE Select); coding-DNA position 1349, A replaced by G.
Protein change: p.Asp450Gly; replaces aspartic acid 450 with glycine.
Molecular consequence: missense variant.
Genome position (GRCh38, 1-based): chr3:136,327,683, A>G. VCF-style: chr3-136327683-A-G. GRCh37 (hg19) VCF-style: chr3-136046525-A-G.
Other names: c.1409A>G, p.Asp470Gly (NM_001178014.2); short protein forms D450G, D470G.
Identifiers: ClinVar variation 3776095 (VCV003776095.1).